The following is an entry in ClinVar:

NM_001286577.2(C2CD3):c.5403G>A (p.Thr1801=)

Gene: C2CD3 (C2 domain containing 3 centriole elongation regulator; minus strand). Cytogenetic location: 11q13.4.
Variant type: single nucleotide variant.
Coding change: c.5403G>A on transcript NM_001286577.2 (MANE Select); coding-DNA position 5403, G replaced by A.
Protein change: p.Thr1801=; no amino-acid change (threonine 1801 retained).
Molecular consequence: synonymous variant.
Genome position (GRCh38, 1-based): chr11:74,048,297, C>T on the plus strand (G>A on the coding strand, the complement: C2CD3 is on the minus strand). VCF-style: chr11-74048297-C-T. GRCh37 (hg19) VCF-style: chr11-73759342-C-T.
Other names: c.5403G>A, p.Thr1801= (NM_015531.6).
Identifiers: ClinVar variation 781224 (VCV000781224.13), dbSNP rs115658160, ClinGen allele CA6181892.

ClinVar aggregate classification (germline): Benign/Likely benign. Review status: criteria provided, multiple submitters, no conflicts (2 of 4 stars). 4 submissions from 4 submitters: Benign (2); Likely benign (2). Last evaluated 2026-05-07.

Conditions:
C2CD3-related disorder. Also called: C2CD3-related condition.

Allele frequency attached by ClinVar (database versions not stated): gnomAD exomes 0.00090; ExAC 0.00108; 1000 Genomes Project 30x 0.00219; 1000 Genomes Project 0.00240; gnomAD 0.00358 and 0.00390; TOPMed 0.00397; ESP Exome Variant Server 0.00485.
gnomAD v4.1: 1,120 of 1,613,542 alleles (0.069%); highest among the groups gnomAD compares: African/African-American, 1.2%; 6 homozygotes.

Submissions (4):

PreventionGenetics, part of Exact Sciences
Classification: Likely benign for C2CD3-related condition. Last evaluated: 2026-05-07. Review status: criteria provided, single submitter. Criteria: ACMG Guidelines, 2015. Collection method: clinical testing. Allele origin: germline.
Comment: This variant is classified as likely benign based on ACMG/AMP sequence variant interpretation guidelines (Richards et al. 2015 PMID: 25741868, with internal and published modifications).

Labcorp Genetics (formerly Invitae), Labcorp
Classification: Benign. Last evaluated: 2025-12-08. Review status: criteria provided, single submitter. Criteria: Invitae Variant Classification Sherloc (09022015). Collection method: clinical testing. Allele origin: germline.

Blueprint Genetics
Classification: Likely benign. Last evaluated: 2024-07-14. Review status: criteria provided, single submitter. Criteria: ACMG Guidelines, 2015. Collection method: clinical testing. Allele origin: germline.

Breakthrough Genomics
Classification: Benign. Review status: criteria provided, single submitter. Criteria: ACMG Guidelines, 2015. Collection method: not provided. Allele origin: germline. Inheritance: Autosomal recessive inheritance. Affected: yes.